The following is an entry in ClinVar:

ClinVar aggregate classification (germline): Uncertain significance. Review status: criteria provided, multiple submitters, no conflicts (2 of 4 stars). 3 submissions from 3 submitters: Uncertain significance (3). Last evaluated 2022-07-05.

Conditions:
Inborn genetic diseases. Identifiers: MedGen C0950123, MeSH D030342.
Neuronopathy, distal hereditary motor, autosomal recessive 4. Also called: NEUROPATHY, DISTAL HEREDITARY MOTOR, AUTOSOMAL RECESSIVE 4; Autosomal recessive lower motor neuron disease with childhood onset. Identifiers: Orphanet 206580, MedGen C1970211, MONDO:0012608, OMIM 611067.
Charcot-Marie-Tooth disease recessive intermediate C. Also called: CHARCOT-MARIE-TOOTH NEUROPATHY, RECESSIVE INTERMEDIATE C. Identifiers: Orphanet 369867, MedGen C3809309, MONDO:0014154, OMIM 615376.

Allele frequency attached by ClinVar (database versions not stated): ExAC 0.00001; gnomAD 0.00001; TOPMed 0.00001; gnomAD exomes 0.00002.
gnomAD v4.1: 34 of 1,610,834 alleles (0.0021%); highest among the groups gnomAD compares: Non-Finnish European, 0.0028%; no homozygotes.

Submissions (3):

GeneDx
Classification: Uncertain significance. Last evaluated: 2022-07-05. Review status: criteria provided, single submitter. Criteria: GeneDx Variant Classification Process June 2021. Collection method: clinical testing. Allele origin: germline. Affected: yes.
Comment: Not observed at significant frequency in large population cohorts (gnomAD); In silico analysis supports that this missense variant does not alter protein structure/function; Has not been previously published as pathogenic or benign to our knowledge

Labcorp Genetics (formerly Invitae), Labcorp
Classification: Uncertain significance for Neuronopathy, distal hereditary motor, autosomal recessive 4; Charcot-Marie-Tooth disease recessive intermediate C. Last evaluated: 2022-04-08. Review status: criteria provided, single submitter. Criteria: Invitae Variant Classification Sherloc (09022015). Collection method: clinical testing. Allele origin: germline.
Comment: This sequence change replaces cysteine, which is neutral and slightly polar, with tyrosine, which is neutral and polar, at codon 813 of the PLEKHG5 protein (p.Cys813Tyr). This variant is present in population databases (rs771230935, gnomAD 0.002%). This variant has not been reported in the literature in individuals affected with PLEKHG5-related conditions. ClinVar contains an entry for this variant (Variation ID: 652410). Algorithms developed to predict the effect of missense changes on protein structure and function are either unavailable or do not agree on the potential impact of this missense change (SIFT: "Tolerated"; PolyPhen-2: "Possibly Damaging"; Align-GVGD: "Class C0"). In summary, the available evidence is currently insufficient to determine the role of this variant in disease. Therefore, it has been classified as a Variant of Uncertain Significance.

Ambry Genetics
Classification: Uncertain significance for Inborn genetic diseases. Last evaluated: 2021-11-15. Review status: criteria provided, single submitter. Criteria: Ambry Variant Classification Scheme 2023. Collection method: clinical testing. Allele origin: germline.
Comment: The p.C813Y variant (also known as c.2438G>A), located in coding exon 19 of the PLEKHG5 gene, results from a G to A substitution at nucleotide position 2438. The cysteine at codon 813 is replaced by tyrosine, an amino acid with highly dissimilar properties. This amino acid position is not well conserved in available vertebrate species. In addition, the in silico prediction for this alteration is inconclusive. Since supporting evidence is limited at this time, the clinical significance of this alteration remains unclear.

NM_020631.6(PLEKHG5):c.2438G>A (p.Cys813Tyr)

Gene: PLEKHG5 (pleckstrin homology and RhoGEF domain containing G5; minus strand). Cytogenetic location: 1p36.31.
Variant type: single nucleotide variant.
Coding change: c.2438G>A on transcript NM_020631.6 (MANE Select); coding-DNA position 2438, G replaced by A.
Protein change: p.Cys813Tyr; replaces cysteine 813 with tyrosine.
Molecular consequence: missense variant.
Genome position (GRCh38, 1-based): chr1:6,468,398, C>T on the plus strand (G>A on the coding strand, the complement: PLEKHG5 is on the minus strand). VCF-style: chr1-6468398-C-T. GRCh37 (hg19) VCF-style: chr1-6528458-C-T.
Other names: c.2549G>A, p.Cys850Tyr (NM_001042663.3, NM_001265592.2); c.2438G>A, p.Cys813Tyr (NM_001042664.2, NM_001042665.2, NM_001265594.3 and 1 more transcripts); c.2645G>A, p.Cys882Tyr (NM_001265593.2); short protein forms C813Y, C882Y, C850Y.
Identifiers: ClinVar variation 652410 (VCV000652410.11), dbSNP rs771230935, ClinGen allele CA561156.